The following is an entry in ClinVar:

NM_000465.4(BARD1):c.638A>T (p.Glu213Val)

Gene: BARD1 (BRCA1 associated RING domain 1; minus strand). Cytogenetic location: 2q35.
Variant type: single nucleotide variant.
Coding change: c.638A>T on transcript NM_000465.4 (MANE Select); coding-DNA position 638, A replaced by T.
Protein change: p.Glu213Val; replaces glutamic acid 213 with valine.
Molecular consequence: missense variant. On other transcripts: non-coding transcript variant (2), intron variant (3).
Genome position (GRCh38, 1-based): chr2:214,781,236, T>A on the plus strand (A>T on the coding strand, the complement: BARD1 is on the minus strand). VCF-style: chr2-214781236-T-A. GRCh37 (hg19) VCF-style: chr2-215645960-T-A.
Other names: c.581A>T, p.Glu194Val (NM_001282543.2); c.158+28176A>T (NM_001282548.2); c.215+15825A>T (NM_001282545.2); c.364+11061A>T (NM_001282549.2); short protein forms E194V, E213V.
Identifiers: ClinVar variation 2770917 (VCV002770917.3), dbSNP rs2469510707, ClinGen allele CA350456625.

ClinVar aggregate classification (germline): Uncertain significance (1 of 4 stars; one submission).

Conditions:
Familial cancer of breast. Also called: hereditary breast carcinoma; BREAST CANCER, FAMILIAL; Hereditary breast cancer. Identifiers: Orphanet 227535, MedGen C0346153, MONDO:0016419, OMIM 114480. Disease mechanism: loss of function.

Submission:

Labcorp Genetics (formerly Invitae), Labcorp
Classification: Uncertain significance for Familial cancer of breast. Last evaluated: 2023-10-22. Review status: criteria provided, single submitter. Criteria: Invitae Variant Classification Sherloc (09022015). Collection method: clinical testing. Allele origin: germline.
Comment: This sequence change replaces glutamic acid, which is acidic and polar, with valine, which is neutral and non-polar, at codon 213 of the BARD1 protein (p.Glu213Val). This variant is not present in population databases (gnomAD no frequency). This variant has not been reported in the literature in individuals affected with BARD1-related conditions. An algorithm developed to predict the effect of missense changes on protein structure and function (PolyPhen-2) suggests that this variant is likely to be disruptive. In summary, the available evidence is currently insufficient to determine the role of this variant in disease. Therefore, it has been classified as a Variant of Uncertain Significance.